The following is an entry in ClinVar:

NM_001080449.3(DNA2):c.1971G>A (p.Thr657=)

Gene: DNA2 (DNA replication helicase/nuclease 2; minus strand). Cytogenetic location: 10q21.3.
Variant type: single nucleotide variant.
Coding change: c.1971G>A on transcript NM_001080449.3 (MANE Select); coding-DNA position 1971, G replaced by A.
Protein change: p.Thr657=; no amino-acid change (threonine 657 retained).
Molecular consequence: synonymous variant. On other transcripts: non-coding transcript variant (1).
Genome position (GRCh38, 1-based): chr10:68,431,874, C>T on the plus strand (G>A on the coding strand, the complement: DNA2 is on the minus strand). VCF-style: chr10-68431874-C-T. GRCh37 (hg19) VCF-style: chr10-70191631-C-T.
Identifiers: ClinVar variation 257342 (VCV000257342.12), dbSNP rs61855090, ClinGen allele CA5524931.

ClinVar aggregate classification (germline): Benign. Review status: criteria provided, multiple submitters, no conflicts (2 of 4 stars). 5 submissions from 5 submitters: Benign (4). 1 of the submissions does not count toward it. Last evaluated 2026-02-04.

Allele frequency attached by ClinVar (database versions not stated): 1000 Genomes Project 30x 0.02077; 1000 Genomes Project 0.02117; TOPMed 0.03398; gnomAD 0.03682; ESP Exome Variant Server 0.03844; ExAC 0.04240; gnomAD exomes 0.04514.
gnomAD v4.1: 72,310 of 1,608,528 alleles (4.5%); highest among the groups gnomAD compares: Middle Eastern, 6.6%; 2,012 homozygotes.

Submissions (5):

Labcorp Genetics (formerly Invitae), Labcorp
Classification: Benign. Last evaluated: 2026-02-04. Review status: criteria provided, single submitter. Criteria: Invitae Variant Classification Sherloc (09022015). Collection method: clinical testing. Allele origin: germline.

GeneDx
Classification: Benign. Last evaluated: 2016-01-14. Review status: criteria provided, single submitter. Criteria: GeneDx Variant Classification (06012015). Collection method: clinical testing. Allele origin: germline. Affected: yes.
Comment: This variant is considered likely benign or benign based on one or more of the following criteria: it is a conservative change, it occurs at a poorly conserved position in the protein, it is predicted to be benign by multiple in silico algorithms, and/or has population frequency not consistent with disease.

Breakthrough Genomics
Classification: Benign. Review status: criteria provided, single submitter. Criteria: ACMG Guidelines, 2015. Collection method: not provided. Allele origin: germline. Inheritance: Autosomal recessive inheritance. Affected: yes.

PreventionGenetics, part of Exact Sciences
Classification: Benign. Review status: criteria provided, single submitter. Criteria: ACMG Guidelines, 2015. Collection method: clinical testing. Allele origin: germline.

Mayo Clinic Laboratories, Mayo Clinic
Classification: Benign. Last evaluated: 2016-03-08. Review status: no assertion criteria provided. Collection method: clinical testing. Allele origin: unknown. Not counted in ClinVar's aggregate classification.